The following is an entry in ClinVar:

ClinVar aggregate classification (germline): Likely pathogenic, low penetrance (1 of 4 stars; one submission).

Conditions:
CFI-related disorder. Also called: CFI-related condition; CFI-related disorders. Identifiers: MedGen CN239325.

Submission:

Genomenon, Inc
Classification: Likely pathogenic, low penetrance for CFI-related disorder. Last evaluated: 2025-09-26. Review status: criteria provided, single submitter. Criteria: Genomenon Sequence Variant Interpretation Standards - Updated. Collection method: curation. Allele origin: germline. Affected: no.
Comment: CFI p.Val129Gly (c.386T>G) is a missense variant that changes the amino acid at residue 129 from Valine to Glycine. To our knowledge, this variant has not been reported in patients affected with CFI-related disorders in the published literature. At least one functional study has demonstrated a substantial alteration in protein function relative to the wild-type (PMID:32510551). It is absent or not present at a significant frequency in gnomAD. In conclusion, we classify CFI p.Val129Gly (c.386T>G) as a likely pathogenic, low penetrance variant.

Literature cited by the submitters: PubMed 32510551.

NM_000204.5(CFI):c.386T>G (p.Val129Gly)

Gene: CFI (complement factor I; minus strand). Cytogenetic location: 4q25.
Variant type: single nucleotide variant.
Coding change: c.386T>G on transcript NM_000204.5 (MANE Select); coding-DNA position 386, T replaced by G.
Protein change: p.Val129Gly; replaces valine 129 with glycine.
Molecular consequence: missense variant. On other transcripts: non-coding transcript variant (3), intron variant (1).
Genome position (GRCh38, 1-based): chr4:109,764,633, A>C on the plus strand (T>G on the coding strand, the complement: CFI is on the minus strand). VCF-style: chr4-109764633-A-C. GRCh37 (hg19) VCF-style: chr4-110685789-A-C.
Other names: c.386T>G, p.Val129Gly (NM_001318057.2, NM_001331035.2, NM_001375278.1 and 10 more transcripts); c.-127-2941T>G (NM_001375284.1); short protein forms V129G.
Identifiers: ClinVar variation 4280552 (VCV004280552.1).